The following is an entry in ClinVar:

NM_000321.3(RB1):c.275T>G (p.Ile92Ser)

Gene: RB1 (RB transcriptional corepressor 1; plus strand). Cytogenetic location: 13q14.2.
Variant type: single nucleotide variant.
Coding change: c.275T>G on transcript NM_000321.3 (MANE Select); coding-DNA position 275, T replaced by G.
Protein change: p.Ile92Ser; replaces isoleucine 92 with serine.
Molecular consequence: missense variant.
Genome position (GRCh38, 1-based): chr13:48,342,609, T>G. VCF-style: chr13-48342609-T-G. GRCh37 (hg19) VCF-style: chr13-48916745-T-G.
Other names: c.275T>G, p.Ile92Ser (NM_001407165.1, NM_001407166.1); short protein forms I92S.
Identifiers: ClinVar variation 2749641 (VCV002749641.3), dbSNP rs2542155838, ClinGen allele CA388252330.

ClinVar aggregate classification (germline): Uncertain significance (1 of 4 stars; one submission).

Conditions:
Retinoblastoma (RB1). Also called: RETINOBLASTOMA, SOMATIC. Identifiers: Orphanet 790, MedGen C0035335, MeSH D012175, MONDO:0008380, OMIM 180200, HP:0009919. Disease mechanism: loss of function. Inheritance: Both sporadic and heritable forms are tested..

Allele frequency attached by ClinVar (database versions not stated): gnomAD exomes below 0.00001.
gnomAD v4.1: 1 of 1,602,368 alleles (0.000062%); highest among the groups gnomAD compares: Non-Finnish European, 0.000085%; no homozygotes.

Submission:

Labcorp Genetics (formerly Invitae), Labcorp
Classification: Uncertain significance for Retinoblastoma. Last evaluated: 2023-08-03. Review status: criteria provided, single submitter. Criteria: Invitae Variant Classification Sherloc (09022015). Collection method: clinical testing. Allele origin: germline.
Comment: In summary, the available evidence is currently insufficient to determine the role of this variant in disease. Therefore, it has been classified as a Variant of Uncertain Significance. Advanced modeling of protein sequence and biophysical properties (such as structural, functional, and spatial information, amino acid conservation, physicochemical variation, residue mobility, and thermodynamic stability) performed at Invitae indicates that this missense variant is not expected to disrupt RB1 protein function. This sequence change replaces isoleucine, which is neutral and non-polar, with serine, which is neutral and polar, at codon 92 of the RB1 protein (p.Ile92Ser). This variant is not present in population databases (gnomAD no frequency). This variant has not been reported in the literature in individuals affected with RB1-related conditions.